The following is an entry in ClinVar:

ClinVar aggregate classification (germline): Uncertain significance (1 of 4 stars; one submission).

Conditions:
Combined oxidative phosphorylation defect type 14. Also called: Combined oxidative phosphorylation deficiency 14. Identifiers: Orphanet 319519, MedGen C4755312, MONDO:0013986, OMIM 614946.

Allele frequency attached by ClinVar (database versions not stated): TOPMed below 0.00001.

Submission:

Labcorp Genetics (formerly Invitae), Labcorp
Classification: Uncertain significance for Combined oxidative phosphorylation defect type 14. Last evaluated: 2025-03-03. Review status: criteria provided, single submitter. Criteria: Invitae Variant Classification Sherloc (09022015). Collection method: clinical testing. Allele origin: germline.
Comment: This sequence change replaces leucine, which is neutral and non-polar, with arginine, which is basic and polar, at codon 152 of the FARS2 protein (p.Leu152Arg). This variant is not present in population databases (gnomAD no frequency). This variant has not been reported in the literature in individuals affected with FARS2-related conditions. ClinVar contains an entry for this variant (Variation ID: 938683). Invitae Evidence Modeling of protein sequence and biophysical properties (such as structural, functional, and spatial information, amino acid conservation, physicochemical variation, residue mobility, and thermodynamic stability) indicates that this missense variant is expected to disrupt FARS2 protein function with a positive predictive value of 95%. In summary, the available evidence is currently insufficient to determine the role of this variant in disease. Therefore, it has been classified as a Variant of Uncertain Significance.

NM_006567.5(FARS2):c.455T>G (p.Leu152Arg)

Genes: FARS2 (phenylalanyl-tRNA synthetase 2, mitochondrial; plus strand), LOC126859565 (CDK7 strongly-dependent group 2 enhancer GRCh37_chr6:5368745-5369944; plus strand). Cytogenetic location: 6p25.1.
Variant type: single nucleotide variant.
Coding change: c.455T>G on transcript NM_006567.5 (MANE Select); coding-DNA position 455, T replaced by G.
Protein change: p.Leu152Arg; replaces leucine 152 with arginine.
Molecular consequence: missense variant. On other transcripts: intron variant (2).
Genome position (GRCh38, 1-based): chr6:5,369,025, T>G. VCF-style: chr6-5369025-T-G. GRCh37 (hg19) VCF-style: chr6-5369258-T-G.
Other names: c.455T>G, p.Leu152Arg (NM_001318872.2, NM_001374875.1, NM_001374876.1 and 5 more transcripts); c.-340-27608T>G (NM_001375260.1); c.-84-35517T>G (NM_001375259.1); short protein forms L152R.
Identifiers: ClinVar variation 938683 (VCV000938683.10), dbSNP rs1758863348, ClinGen allele CA362735324.